The following is an entry in ClinVar:

NM_001374736.1(DST):c.17133G>T (p.Ser5711=)

Gene: DST (dystonin; minus strand). Cytogenetic location: 6p12.1.
Variant type: single nucleotide variant.
Coding change: c.17133G>T on transcript NM_001374736.1 (MANE Select); coding-DNA position 17133, G replaced by T.
Protein change: p.Ser5711=; no amino-acid change (serine 5711 retained).
Molecular consequence: synonymous variant.
Genome position (GRCh38, 1-based): chr6:56,530,109, C>A on the plus strand (G>T on the coding strand, the complement: DST is on the minus strand). VCF-style: chr6-56530109-C-A. GRCh37 (hg19) VCF-style: chr6-56394907-C-A.
Other names: c.10776G>T (NM_001144769.2); c.10776G>T, p.Ser3592= (NM_001144769.5); c.10362G>T, p.Ser3454= (NM_001144770.2); c.17133G>T, p.Ser5711= (NM_001374722.1); c.16500G>T, p.Ser5500= (NM_001374729.1); c.10242G>T, p.Ser3414= (NM_001374730.1, NM_001386100.1, NM_183380.4); c.17160G>T, p.Ser5720= (NM_001374734.1); c.9264G>T, p.Ser3088= (NM_015548.5).
Identifiers: ClinVar variation 1579628 (VCV001579628.9), dbSNP rs780435915, ClinGen allele CA3867507.

ClinVar aggregate classification (germline): Likely benign. Review status: criteria provided, multiple submitters, no conflicts (2 of 4 stars). 2 submissions from 2 submitters: Likely benign (2). Last evaluated 2025-10-27.

Conditions:
DST-related disorder. Also called: DST-related disorders; DST-related condition.
Epidermolysis bullosa simplex 3, localized or generalized intermediate, with BP230 deficiency (EBS3). Also called: Epidermolysis bullosa simplex, autosomal recessive 2; Epidermolysis bullosa simplex due to BP230 deficiency. Identifiers: Orphanet 412181, MedGen C3809470, MONDO:0014180, OMIM 615425.
Hereditary sensory and autonomic neuropathy type 6. Also called: HSAN VI; Neuropathy, hereditary sensory and autonomic, type VI. Identifiers: Orphanet 314381, MedGen C3539003, MONDO:0013839, OMIM 614653.

Allele frequency attached by ClinVar (database versions not stated): TOPMed 0.00001.
gnomAD v4.1: 16 of 1,603,222 alleles (0.001%); highest among the groups gnomAD compares: Middle Eastern, 0.017%; no homozygotes.

Submissions (2):

PreventionGenetics, part of Exact Sciences
Classification: Likely benign for DST-related condition. Last evaluated: 2025-10-27. Review status: criteria provided, single submitter. Criteria: ACMG Guidelines, 2015. Collection method: clinical testing. Allele origin: germline.
Comment: This variant is classified as likely benign based on ACMG/AMP sequence variant interpretation guidelines (Richards et al. 2015 PMID: 25741868, with internal and published modifications).

Labcorp Genetics (formerly Invitae), Labcorp
Classification: Likely benign for Epidermolysis bullosa simplex 3, localized or generalized intermediate, with BP230 deficiency; Hereditary sensory and autonomic neuropathy type 6. Last evaluated: 2024-02-24. Review status: criteria provided, single submitter. Criteria: Invitae Variant Classification Sherloc (09022015). Collection method: clinical testing. Allele origin: germline.